The following is an entry in ClinVar:

ClinVar aggregate classification (germline): Uncertain significance (1 of 4 stars; one submission).

Conditions:
Hereditary spastic paraplegia 11. Also called: SPASTIC PARAPLEGIA, AUTOSOMAL RECESSIVE, COMPLICATED, WITH THIN CORPUS CALLOSUM; SPASTIC PARAPLEGIA, AUTOSOMAL RECESSIVE, WITH MENTAL IMPAIRMENT AND THIN CORPUS CALLOSUM; Spastic Paraplegia 11; Nakamura Osame syndrome; Autosomal recessive hereditary spastic paraplegia, mental impairment, and thin corpus callosum; Spastic paraplegia, mental retardation and thin corpus callosum. Identifiers: Orphanet 2822, MedGen C1858479, MONDO:0011445, OMIM 604360.

Allele frequency attached by ClinVar (database versions not stated): gnomAD exomes below 0.00001; ExAC 0.00001.
gnomAD v4.1: 2 of 1,614,134 alleles (0.00012%); highest among the groups gnomAD compares: East Asian, 0.0045%; no homozygotes.

Submission:

Labcorp Genetics (formerly Invitae), Labcorp
Classification: Uncertain significance for Hereditary spastic paraplegia 11. Last evaluated: 2021-08-19. Review status: criteria provided, single submitter. Criteria: Invitae Variant Classification Sherloc (09022015). Collection method: clinical testing. Allele origin: germline.
Comment: This sequence change replaces serine with asparagine at codon 275 of the SPG11 protein (p.Ser275Asn). The serine residue is moderately conserved and there is a small physicochemical difference between serine and asparagine. This variant is present in population databases (rs769608648, ExAC 0.01%). This variant has not been reported in the literature in individuals affected with SPG11-related conditions. Algorithms developed to predict the effect of missense changes on protein structure and function are either unavailable or do not agree on the potential impact of this missense change (SIFT: "Deleterious"; PolyPhen-2: "Probably Damaging"; Align-GVGD: "Class C0"). In summary, the available evidence is currently insufficient to determine the role of this variant in disease. Therefore, it has been classified as a Variant of Uncertain Significance.

NM_025137.4(SPG11):c.824G>A (p.Ser275Asn)

Gene: SPG11 (SPG11 vesicle trafficking associated, spatacsin; minus strand). Cytogenetic location: 15q21.1.
Variant type: single nucleotide variant.
Coding change: c.824G>A on transcript NM_025137.4 (MANE Select); coding-DNA position 824, G replaced by A.
Protein change: p.Ser275Asn; replaces serine 275 with asparagine.
Molecular consequence: missense variant.
Genome position (GRCh38, 1-based): chr15:44,657,140, C>T on the plus strand (G>A on the coding strand, the complement: SPG11 is on the minus strand). VCF-style: chr15-44657140-C-T. GRCh37 (hg19) VCF-style: chr15-44949338-C-T.
Other names: c.824G>A, p.Ser275Asn (NM_001160227.2); short protein forms S275N.
Identifiers: ClinVar variation 1352979 (VCV001352979.6), dbSNP rs769608648, ClinGen allele CA7535713.